The following is an entry in ClinVar:

NM_001481.3(DRC4):c.999G>A (p.Gln333=)

Gene: DRC4 (dynein regulatory complex subunit 4; plus strand). Cytogenetic location: 16q24.3.
Variant type: single nucleotide variant.
Coding change: c.999G>A on transcript NM_001481.3 (MANE Select); coding-DNA position 999, G replaced by A.
Protein change: p.Gln333=; no amino-acid change (glutamine 333 retained).
Molecular consequence: synonymous variant.
Genome position (GRCh38, 1-based): chr16:90,037,836, G>A. VCF-style: chr16-90037836-G-A. GRCh37 (hg19) VCF-style: chr16-90104244-G-A.
Other names: c.750G>A, p.Gln250= (NM_001286205.2); c.423G>A, p.Gln141= (NM_001286208.2); c.924G>A, p.Gln308= (NM_001286209.2).
Identifiers: ClinVar variation 4850826 (VCV004850826.1).

ClinVar aggregate classification (germline): Uncertain significance (1 of 4 stars; one submission).

gnomAD v4.1: 3 of 1,614,092 alleles (0.00019%); highest among the groups gnomAD compares: African/African-American, 0.0013%; no homozygotes.

Submission:

Greenwood Genetic Center Diagnostic Laboratories, Greenwood Genetic Center
Classification: Uncertain significance. Last evaluated: 2025-02-26. Review status: criteria provided, single submitter. Criteria: ACMG Guidelines, 2015. Collection method: clinical testing. Allele origin: germline.
Comment: PM2, BP4